The following is an entry in ClinVar:

ClinVar aggregate classification (germline): Benign/Likely benign. Review status: criteria provided, multiple submitters, no conflicts (2 of 4 stars). 3 submissions from 3 submitters: Benign (1); Likely benign (2). Last evaluated 2026-07-29.

Conditions:
Hereditary pheochromocytoma and paraganglioma. Also called: Hereditary pheochromocytoma-paraganglioma; Hereditary Paraganglioma-Pheochromocytoma Syndromes; Hereditary paragangliomas and pheochromocytomas. Identifiers: Orphanet 29072, MedGen C4274332, MONDO:0017366.
Hereditary cancer-predisposing syndrome. Also called: Tumor predisposition; Hereditary neoplastic syndrome; Neoplastic Syndromes, Hereditary; Hereditary Cancer Syndrome. Identifiers: Orphanet 140162, MedGen C0027672, MeSH D009386, MONDO:0015356.

Allele frequency attached by ClinVar (database versions not stated): TOPMed below 0.00001.
gnomAD v4.1: 1 of 1,611,922 alleles (0.000062%); highest among the groups gnomAD compares: Non-Finnish European, 0.000085%; no homozygotes.

Submissions (3):

Myriad Genetics, Inc.
Classification: Benign for Hereditary pheochromocytoma and paraganglioma. Last evaluated: 2026-07-29. Review status: criteria provided, single submitter. Criteria: Myriad Autosomal Dominant, Autosomal Recessive and X-Linked Classification Criteria (2023). Collection method: clinical testing. Allele origin: unknown.
Comment: This variant is considered benign. This variant is a silent/synonymous amino acid change and it is not expected to impact splicing.

Labcorp Genetics (formerly Invitae), Labcorp
Classification: Likely benign for Hereditary pheochromocytoma and paraganglioma. Last evaluated: 2022-11-01. Review status: criteria provided, single submitter. Criteria: Invitae Variant Classification Sherloc (09022015). Collection method: clinical testing. Allele origin: germline.

Ambry Genetics
Classification: Likely benign for Hereditary cancer-predisposing syndrome. Last evaluated: 2020-07-07. Review status: criteria provided, single submitter. Criteria: Ambry Variant Classification Scheme 2023. Collection method: clinical testing. Allele origin: germline.

NM_017849.4(TMEM127):c.231G>A (p.Pro77=)

Gene: TMEM127 (transmembrane protein 127; minus strand). Cytogenetic location: 2q11.2.
Variant type: single nucleotide variant.
Coding change: c.231G>A on transcript NM_017849.4 (MANE Select); coding-DNA position 231, G replaced by A.
Protein change: p.Pro77=; no amino-acid change (proline 77 retained).
Molecular consequence: synonymous variant.
Genome position (GRCh38, 1-based): chr2:96,265,151, C>T on the plus strand (G>A on the coding strand, the complement: TMEM127 is on the minus strand). VCF-style: chr2-96265151-C-T. GRCh37 (hg19) VCF-style: chr2-96930889-C-T.
Other names: c.231G>A, p.Pro77= (NM_001193304.3).
Identifiers: ClinVar variation 1051570 (VCV001051570.12), dbSNP rs1558756480, ClinGen allele CA427496265.